The following is an entry in ClinVar:

NM_001126108.2(SLC12A3):c.1743del (p.Met581fs)

Gene: SLC12A3 (solute carrier family 12 member 3; plus strand). Cytogenetic location: 16q13.
Variant type: Deletion.
Coding change: c.1743del on transcript NM_001126108.2 (MANE Select); coding-DNA position 1743, one base deleted (G; older notation c.1743delG).
Protein change: p.Met581fs; shifts the reading frame from methionine 581.
Molecular consequence: frameshift variant.
Genome position (GRCh38, 1-based): chr16:56,884,122, G deleted. VCF-style (leftmost placement, unchanged base first): chr16-56884121-TG-T. GRCh37 (hg19) VCF-style: chr16-56918033-TG-T.
Other names: c.1743del, p.Met581fs (NM_000339.3); c.1740del, p.Met580fs (NM_001126107.2); short protein forms M580fs, M581fs.
Identifiers: ClinVar variation 280024 (VCV000280024.7), dbSNP rs754220610, ClinGen allele CA8069594.

ClinVar aggregate classification (germline): Pathogenic. Review status: criteria provided, multiple submitters, no conflicts (2 of 4 stars). 2 submissions from 2 submitters: Pathogenic (2). Last evaluated 2024-01-28.

Allele frequency attached by ClinVar (database versions not stated): gnomAD exomes below 0.00001; ExAC 0.00001.

Submissions (2):

Labcorp Genetics (formerly Invitae), Labcorp
Classification: Pathogenic. Last evaluated: 2024-01-28. Review status: criteria provided, single submitter. Criteria: Invitae Variant Classification Sherloc (09022015). Collection method: clinical testing. Allele origin: germline.
Comment: This sequence change creates a premature translational stop signal (p.Met581Ilefs*30) in the SLC12A3 gene. It is expected to result in an absent or disrupted protein product. Loss-of-function variants in SLC12A3 are known to be pathogenic (PMID: 20848653, 22009145, 25841442). This variant is present in population databases (rs754220610, gnomAD 0.0009%). This premature translational stop signal has been observed in individual(s) with Gitelman syndrome (PMID: 21415153). ClinVar contains an entry for this variant (Variation ID: 280024). For these reasons, this variant has been classified as Pathogenic.

GeneDx
Classification: Pathogenic. Last evaluated: 2016-03-29. Review status: criteria provided, single submitter. Criteria: GeneDx Variant Classification (06012015). Collection method: clinical testing. Allele origin: germline. Affected: yes.
Comment: The c.1743delG pathogenic variant in the SLC12A3 gene has been reported previously, along with a second pathogenic variant, in an individual with Gitelman syndrome (Vargas-Poussou et al., 2011). The c.1743delG variant causes a frameshift starting with codon Methionine 581, changes this amino acid to an Isoleucine residue, and creates a premature Stop codon at position 30 of the new reading frame, denoted p.Met581IlefsX30. This variant is predicted to cause loss of normal protein function either through protein truncation or nonsense-mediated mRNA decay. The c.1743delG variant was not observed in approximately 6,500 individuals of European and African American ancestry in the NHLBI Exome Sequencing Project, indicating it is not a common benign variant in these populations. We interpret c.1743delG as a pathogenic variant.

Literature cited by the submitters: PubMed 20848653 (cited by Labcorp Genetics (formerly Invitae), Labcorp); PubMed 22009145 (cited by Labcorp Genetics (formerly Invitae), Labcorp); PubMed 25841442 (cited by Labcorp Genetics (formerly Invitae), Labcorp); PubMed 21415153 (cited by Labcorp Genetics (formerly Invitae), Labcorp).